The following is an entry in ClinVar:

ClinVar aggregate classification (germline): Pathogenic (1 of 4 stars; one submission).

Conditions:
Nemaline myopathy 2 (NEM2). Also called: Nemaline myopathy 2, autosomal recessive. Identifiers: MedGen C1850569, MONDO:0009725, OMIM 256030.

Submission:

Labcorp Genetics (formerly Invitae), Labcorp
Classification: Pathogenic for Nemaline myopathy 2. Last evaluated: 2021-09-09. Review status: criteria provided, single submitter. Criteria: Invitae Variant Classification Sherloc (09022015). Collection method: clinical testing. Allele origin: germline.
Comment: This sequence change creates a premature translational stop signal (p.Gln6892Glufs*7) in the NEB gene. It is expected to result in an absent or disrupted protein product. Loss-of-function variants in NEB are known to be pathogenic (PMID: 25205138). This variant is not present in population databases (ExAC no frequency). This variant has not been reported in the literature in individuals affected with NEB-related conditions. For these reasons, this variant has been classified as Pathogenic.

Literature cited by the submitters: PubMed 25205138.

NM_001164508.2(NEB):c.20674_20675del (p.Gln6892fs)

Gene: NEB (nebulin; minus strand). Cytogenetic location: 2q23.3.
Variant type: Deletion.
Coding change: c.20674_20675del on transcript NM_001164508.2 (MANE Select); coding-DNA positions 20674 to 20675, 2 bases deleted (CA; older notation c.20674_20675delCA).
Protein change: p.Gln6892fs; shifts the reading frame from glutamine 6892.
Molecular consequence: frameshift variant.
Genome position (GRCh38, 1-based): chr2:151,541,454-151,541,455, TG deleted on the plus strand (CA on the coding strand, the reverse complement: NEB is on the minus strand). VCF-style (leftmost placement, unchanged base first): chr2-151541453-CTG-C. GRCh37 (hg19) VCF-style: chr2-152397967-CTG-C.
Other names: c.20674_20675del, p.Gln6892fs (NM_001164507.2, NM_001271208.2); c.15571_15572del, p.Gln5191fs (NM_004543.5); short protein forms Q5191fs, Q6892fs.
Identifiers: ClinVar variation 1451447 (VCV001451447.6), dbSNP rs2153574675, ClinGen allele CA2573133351.